The following is an entry in ClinVar:

ClinVar aggregate classification (germline): Uncertain significance (1 of 4 stars; one submission).

Conditions:
Hereditary breast ovarian cancer syndrome. Also called: Hereditary breast and ovarian cancer syndrome (HBOC); Hereditary breast and ovarian cancer; Breast and ovarian cancer; Hereditary breast and/or ovarian cancer syndrome; BRCA1- and BRCA2-Associated Hereditary Breast and Ovarian Cancer; Hereditary breast and ovarian cancer syndrome. Identifiers: Orphanet 145, MedGen C0677776, MeSH D061325, MONDO:0003582. Disease mechanism: loss of function.

Submission:

Labcorp Genetics (formerly Invitae), Labcorp
Classification: Uncertain significance for Hereditary breast ovarian cancer syndrome. Last evaluated: 2025-12-22. Review status: criteria provided, single submitter. Criteria: Invitae Variant Classification Sherloc (09022015). Collection method: clinical testing. Allele origin: germline.
Comment: This sequence change replaces tyrosine, which is neutral and polar, with cysteine, which is neutral and slightly polar, at codon 989 of the BRCA2 protein (p.Tyr989Cys). This variant is not present in population databases (gnomAD no frequency). This variant has not been reported in the literature in individuals affected with BRCA2-related conditions. Invitae Evidence Modeling of protein sequence and biophysical properties (such as structural, functional, and spatial information, amino acid conservation, physicochemical variation, residue mobility, and thermodynamic stability) indicates that this missense variant is not expected to disrupt BRCA2 protein function with a negative predictive value of 95%. In summary, the available evidence is currently insufficient to determine the role of this variant in disease. Therefore, it has been classified as a Variant of Uncertain Significance.

NM_000059.4(BRCA2):c.2966A>G (p.Tyr989Cys)

Gene: BRCA2 (BRCA2 DNA repair associated; plus strand). Cytogenetic location: 13q13.1.
Variant type: single nucleotide variant.
Coding change: c.2966A>G on transcript NM_000059.4 (MANE Select); coding-DNA position 2966, A replaced by G.
Protein change: p.Tyr989Cys; replaces tyrosine 989 with cysteine.
Molecular consequence: missense variant. On other transcripts: non-coding transcript variant (1), intron variant (2).
Genome position (GRCh38, 1-based): chr13:32,337,321, A>G. VCF-style: chr13-32337321-A-G. GRCh37 (hg19) VCF-style: chr13-32911458-A-G.
Other names: c.2966A>G, p.Tyr989Cys (NM_001406719.1, NM_001406720.1, NM_001432077.1); c.1909+3934A>G (NM_001406721.1); c.424+6291A>G (NM_001406722.1); short protein forms Y989C.
Identifiers: ClinVar variation 4802292 (VCV004802292.1).